The following is an entry in ClinVar:

ClinVar aggregate classification (germline): Pathogenic (1 of 4 stars; one submission).

Conditions:
BAP1-related tumor predisposition syndrome (TPDS1). Also called: TUMOR PREDISPOSITION SYNDROME 1; Tumor susceptibility linked to germline BAP1 mutations; BAP1 tumor predisposition syndrome; COMMON Syndrome. Identifiers: Orphanet 289539, MedGen C3280492, MONDO:0013692, OMIM 614327.

Allele frequency attached by ClinVar (database versions not stated): gnomAD exomes below 0.00001; ExAC 0.00001.

Submission:

Labcorp Genetics (formerly Invitae), Labcorp
Classification: Pathogenic for BAP1-related tumor predisposition syndrome. Last evaluated: 2022-12-17. Review status: criteria provided, single submitter. Criteria: Invitae Variant Classification Sherloc (09022015). Collection method: clinical testing. Allele origin: germline.
Comment: This sequence change creates a premature translational stop signal (p.Ala428Hisfs*2) in the BAP1 gene. It is expected to result in an absent or disrupted protein product. Loss-of-function variants in BAP1 are known to be pathogenic (PMID: 21874000, 23684012). This variant is present in population databases (rs780414230, gnomAD 0.003%). This variant has not been reported in the literature in individuals affected with BAP1-related conditions. This variant is also known as c.1224delA. For these reasons, this variant has been classified as Pathogenic.

Literature cited by the submitters: PubMed 21874000; PubMed 23684012.

NM_004656.4(BAP1):c.1278del (p.Ala428fs)

Gene: BAP1 (BRCA1 associated deubiquitinase 1; minus strand). Cytogenetic location: 3p21.1.
Variant type: Deletion.
Coding change: c.1278del on transcript NM_004656.4 (MANE Select); coding-DNA position 1278, one base deleted (A; older notation c.1278delA).
Protein change: p.Ala428fs; shifts the reading frame from alanine 428.
Molecular consequence: frameshift variant.
Genome position (GRCh38, 1-based): chr3:52,403,867, T deleted on the plus strand (A on the coding strand, the reverse complement: BAP1 is on the minus strand). VCF-style (leftmost placement, unchanged base first): chr3-52403866-CT-C. GRCh37 (hg19) VCF-style: chr3-52437882-CT-C.
Other names: c.1224del, p.Ala410fs (NM_001410772.1); short protein forms A410fs, A428fs.
Identifiers: ClinVar variation 2910172 (VCV002910172.3), dbSNP rs780414230, ClinGen allele CA2436835.